The following is an entry in ClinVar:

NM_001134407.3(GRIN2A):c.1289_1292dup (p.Arg431fs)

Gene: GRIN2A (glutamate ionotropic receptor NMDA type subunit 2A; minus strand). Cytogenetic location: 16p13.2.
Variant type: Duplication.
Coding change: c.1289_1292dup on transcript NM_001134407.3 (MANE Select); coding-DNA positions 1289 to 1292, 4 bases duplicated (TGAG; older notation c.1289_1292dupTGAG).
Protein change: p.Arg431fs; shifts the reading frame from arginine 431.
Molecular consequence: frameshift variant.
Genome position (GRCh38, 1-based): chr16:9,849,792-9,849,795, CTCA duplicated on the plus strand (TGAG on the coding strand, the reverse complement: GRIN2A is on the minus strand); duplicating any 4 consecutive bases within chr16:9,849,792-9,849,796 gives the same sequence; the c. name uses the placement nearest the transcript's 3' end. VCF-style (leftmost placement, unchanged base first): chr16-9849791-C-CCTCA. GRCh37 (hg19) VCF-style: chr16-9943648-C-CCTCA.
Other names: c.1289_1292dup, p.Arg431fs (NM_000833.5, NM_001134408.2); short protein forms R431fs.
Identifiers: ClinVar variation 2009004 (VCV002009004.4), dbSNP rs2542861359, ClinGen allele CA2580092104.

ClinVar aggregate classification (germline): Pathogenic (1 of 4 stars; one submission).

Conditions:
Landau-Kleffner syndrome (FESD). Also called: EPILEPSY, FOCAL, WITH SPEECH DISORDER AND WITH OR WITHOUT MENTAL RETARDATION; APHASIA, ACQUIRED, WITH EPILEPSY. Identifiers: Orphanet 1945, Orphanet 725, Orphanet 98818, MedGen C0282512, MONDO:0009509, OMIM 245570.

Submission:

Labcorp Genetics (formerly Invitae), Labcorp
Classification: Pathogenic for Landau-Kleffner syndrome. Last evaluated: 2022-06-22. Review status: criteria provided, single submitter. Criteria: Invitae Variant Classification Sherloc (09022015). Collection method: clinical testing. Allele origin: germline.
Comment: This sequence change creates a premature translational stop signal (p.Arg431Serfs*19) in the GRIN2A gene. It is expected to result in an absent or disrupted protein product. Loss-of-function variants in GRIN2A are known to be pathogenic (PMID: 23933819, 23933820). For these reasons, this variant has been classified as Pathogenic. This variant has not been reported in the literature in individuals affected with GRIN2A-related conditions. This variant is not present in population databases (gnomAD no frequency).

Literature cited by the submitters: PubMed 23933819; PubMed 23933820.